The following is an entry in ClinVar:

ClinVar aggregate classification (germline): Uncertain significance (1 of 4 stars; one submission).

Conditions:
Biotin-responsive basal ganglia disease (BTBGD). Also called: Thiamine Transporter-2 Deficiency; THIAMINE METABOLISM DYSFUNCTION SYNDROME 2 (BIOTIN- AND THIAMINE-RESPONSIVE TYPE); Thiamine metabolism dysfunction syndrome type 2; Thiamine metabolism dysfunction syndrome 2 (biotin- or thiamine-responsive encephalopathy type 2); thiamine-responsive encephalopathy. Identifiers: Orphanet 199348, Orphanet 65284, MedGen C1843807, MONDO:0011841, OMIM 607483.

Allele frequency attached by ClinVar (database versions not stated): gnomAD exomes below 0.00001; TOPMed below 0.00001.

Submission:

Labcorp Genetics (formerly Invitae), Labcorp
Classification: Uncertain significance for Biotin-responsive basal ganglia disease. Last evaluated: 2020-07-21. Review status: criteria provided, single submitter. Criteria: Invitae Variant Classification Sherloc (09022015). Collection method: clinical testing. Allele origin: germline.
Comment: This sequence change replaces proline with serine at codon 193 of the SLC19A3 protein (p.Pro193Ser). The proline residue is highly conserved and there is a moderate physicochemical difference between proline and serine. In summary, the available evidence is currently insufficient to determine the role of this variant in disease. Therefore, it has been classified as a Variant of Uncertain Significance. Advanced modeling of protein sequence and biophysical properties (such as structural, functional, and spatial information, amino acid conservation, physicochemical variation, residue mobility, and thermodynamic stability) performed at Invitae indicates that this missense variant is expected to disrupt SLC19A3 protein function. This variant has not been reported in the literature in individuals with SLC19A3-related conditions. This variant is not present in population databases (ExAC no frequency).

NM_025243.4(SLC19A3):c.577C>T (p.Pro193Ser)

Gene: SLC19A3 (solute carrier family 19 member 3; minus strand). Cytogenetic location: 2q36.3.
Variant type: single nucleotide variant.
Coding change: c.577C>T on transcript NM_025243.4 (MANE Select); coding-DNA position 577, C replaced by T.
Protein change: p.Pro193Ser; replaces proline 193 with serine.
Molecular consequence: missense variant.
Genome position (GRCh38, 1-based): chr2:227,699,138, G>A on the plus strand (C>T on the coding strand, the complement: SLC19A3 is on the minus strand). VCF-style: chr2-227699138-G-A. GRCh37 (hg19) VCF-style: chr2-228563854-G-A.
Other names: c.577C>T, p.Pro193Ser (NM_001371411.1, NM_001371412.1); c.565C>T, p.Pro189Ser (NM_001371413.1, NM_001371414.1); short protein forms P189S, P193S.
Identifiers: ClinVar variation 1000430 (VCV001000430.9), dbSNP rs1695566021, ClinGen allele CA350876936.